The following is an entry in ClinVar:

ClinVar aggregate classification (germline): Uncertain significance (1 of 4 stars; one submission).

Conditions:
Long QT syndrome (LQTS). Identifiers: MedGen C0023976, MeSH D008133, MONDO:0002442. Disease mechanism: loss of function. Inheritance: Various modes of inheritance.

Submission:

Labcorp Genetics (formerly Invitae), Labcorp
Classification: Uncertain significance for Long QT syndrome. Last evaluated: 2025-05-21. Review status: criteria provided, single submitter. Criteria: Invitae Variant Classification Sherloc (09022015). Collection method: clinical testing. Allele origin: germline.
Comment: This sequence change replaces serine, which is neutral and polar, with tyrosine, which is neutral and polar, at codon 314 of the CACNA1C protein (p.Ser314Tyr). This variant is not present in population databases (gnomAD no frequency). This variant has not been reported in the literature in individuals affected with CACNA1C-related conditions. Invitae Evidence Modeling of protein sequence and biophysical properties (such as structural, functional, and spatial information, amino acid conservation, physicochemical variation, residue mobility, and thermodynamic stability) has been performed for this missense variant. However, the output from this modeling did not meet the statistical confidence thresholds required to predict the impact of this variant on CACNA1C protein function. In summary, the available evidence is currently insufficient to determine the role of this variant in disease. Therefore, it has been classified as a Variant of Uncertain Significance.

NM_000719.7(CACNA1C):c.941C>A (p.Ser314Tyr)

Gene: CACNA1C (calcium voltage-gated channel subunit alpha1 C; plus strand). Cytogenetic location: 12p13.33.
Variant type: single nucleotide variant.
Coding change: c.941C>A on transcript NM_000719.7 (MANE Select); coding-DNA position 941, C replaced by A.
Protein change: p.Ser314Tyr; replaces serine 314 with tyrosine.
Molecular consequence: missense variant.
Genome position (GRCh38, 1-based): chr12:2,493,214, C>A. VCF-style: chr12-2493214-C-A. GRCh37 (hg19) VCF-style: chr12-2602380-C-A.
Other names: c.941C>A, p.Ser314Tyr (NM_001129827.2, NM_001129829.2, NM_001129830.3 and 18 more transcripts); c.932C>A, p.Ser311Tyr (NM_001129844.2); short protein forms S311Y, S314Y.
Identifiers: ClinVar variation 4776550 (VCV004776550.1).